The following is an entry in ClinVar:

NM_015559.3(SETBP1):c.691G>C (p.Val231Leu)

Gene: SETBP1 (SET binding protein 1; plus strand). Cytogenetic location: 18q12.3.
Variant type: single nucleotide variant.
Coding change: c.691G>C on transcript NM_015559.3 (MANE Select); coding-DNA position 691, G replaced by C.
Protein change: p.Val231Leu; replaces valine 231 with leucine.
Molecular consequence: missense variant.
Genome position (GRCh38, 1-based): chr18:44,950,031, G>C. VCF-style: chr18-44950031-G-C. GRCh37 (hg19) VCF-style: chr18-42529996-G-C.
Other names: c.691G>C, p.Val231Leu (LRG_1150t1); short protein forms V231L.
Identifiers: ClinVar variation 159885 (VCV000159885.21), dbSNP rs11082414, ClinGen allele CA173415.

ClinVar aggregate classification (germline): Benign. Review status: criteria provided, multiple submitters, no conflicts (2 of 4 stars). 8 submissions from 8 submitters: Benign (8). Last evaluated 2026-02-04.

Conditions:
Schinzel-Giedion syndrome (SGS). Identifiers: Orphanet 798, MedGen C0265227, MONDO:0010010, OMIM 269150.

Allele frequency attached by ClinVar (database versions not stated): 1000 Genomes Project 0.15675; 1000 Genomes Project 30x 0.16099; TOPMed 0.18169; ESP Exome Variant Server 0.18530.
gnomAD v4.1: 324,720 of 1,614,022 alleles (20%); highest among the groups gnomAD compares: South Asian, 26%; 33,960 homozygotes.

Submissions (8):

Labcorp Genetics (formerly Invitae), Labcorp
Classification: Benign. Last evaluated: 2026-02-04. Review status: criteria provided, single submitter. Criteria: Invitae Variant Classification Sherloc (09022015). Collection method: clinical testing. Allele origin: germline.

Unidad de Genómica Garrahan, Hospital de Pediatría Garrahan
Classification: Benign. Last evaluated: 2024-07-15. Review status: criteria provided, single submitter. Criteria: ACMG Guidelines, 2015. Collection method: clinical testing. Allele origin: germline. Affected: no. Observed: 27 variant alleles.
Comment: This variant is classified as Benign based on local population frequency. This variant was detected in 29% of patients studied in a panel designed for Epileptic and Developmental Encephalopathy and Progressive Myoclonus Epilepsy. Number of patients: 27. Only high quality variants are reported.

KCCC/NGS Laboratory, Kuwait Cancer Control Center
Classification: Benign for Schinzel-Giedion syndrome. Last evaluated: 2023-07-07. Review status: criteria provided, single submitter. Criteria: ACMG Guidelines, 2015. Collection method: clinical testing. Allele origin: germline. Affected: yes.

GeneDx
Classification: Benign. Last evaluated: 2018-07-31. Review status: criteria provided, single submitter. Criteria: GeneDx Variant Classification Process June 2021. Collection method: clinical testing. Allele origin: germline. Affected: yes.

Athena Diagnostics
Classification: Benign. Last evaluated: 2018-05-07. Review status: criteria provided, single submitter. Criteria: Athena Diagnostics Criteria. Collection method: clinical testing. Allele origin: germline.

Mayo Clinic Laboratories, Mayo Clinic
Classification: Benign. Last evaluated: 2018-04-02. Review status: criteria provided, single submitter. Criteria: ACMG Guidelines, 2015. Collection method: clinical testing. Allele origin: germline. Observed: 176 variant alleles.

Genetic Services Laboratory, University of Chicago
Classification: Benign. Last evaluated: 2013-02-08. Review status: criteria provided, single submitter. Criteria: ACMG Guidelines, 2007. Collection method: clinical testing. Allele origin: germline. Inheritance: Autosomal dominant inheritance.

Breakthrough Genomics
Classification: Benign. Review status: criteria provided, single submitter. Criteria: ACMG Guidelines, 2015. Collection method: not provided. Allele origin: germline. Inheritance: Autosomal dominant inheritance. Affected: yes.